The following is an entry in ClinVar:

ClinVar aggregate classification (germline): Uncertain significance (1 of 4 stars; one submission).

Conditions:
Majeed syndrome (MJDS). Also called: LPIN2-Related Majeed Syndrome; CHRONIC RECURRENT MULTIFOCAL OSTEOMYELITIS 1, WITH CONGENITAL DYSERYTHROPOIETIC ANEMIA, WITH OR WITHOUT NEUTROPHILIC DERMATOSIS. Identifiers: Orphanet 77297, MedGen C1864997, MONDO:0012316, OMIM 609628.

Allele frequency attached by ClinVar (database versions not stated): TOPMed below 0.00001.

Submission:

Labcorp Genetics (formerly Invitae), Labcorp
Classification: Uncertain significance for Majeed syndrome. Last evaluated: 2024-10-14. Review status: criteria provided, single submitter. Criteria: Invitae Variant Classification Sherloc (09022015). Collection method: clinical testing. Allele origin: germline.
Comment: This sequence change replaces serine, which is neutral and polar, with proline, which is neutral and non-polar, at codon 439 of the LPIN2 protein (p.Ser439Pro). This variant is not present in population databases (gnomAD no frequency). This variant has not been reported in the literature in individuals affected with LPIN2-related conditions. ClinVar contains an entry for this variant (Variation ID: 536353). Invitae Evidence Modeling of protein sequence and biophysical properties (such as structural, functional, and spatial information, amino acid conservation, physicochemical variation, residue mobility, and thermodynamic stability) indicates that this missense variant is not expected to disrupt LPIN2 protein function with a negative predictive value of 80%. In summary, the available evidence is currently insufficient to determine the role of this variant in disease. Therefore, it has been classified as a Variant of Uncertain Significance.

NM_001375808.2(LPIN2):c.1315T>C (p.Ser439Pro)

Gene: LPIN2 (lipin 2; minus strand). Cytogenetic location: 18p11.31.
Variant type: single nucleotide variant.
Coding change: c.1315T>C on transcript NM_001375808.2 (MANE Select); coding-DNA position 1315, T replaced by C.
Protein change: p.Ser439Pro; replaces serine 439 with proline.
Molecular consequence: missense variant.
Genome position (GRCh38, 1-based): chr18:2,931,397, A>G on the plus strand (T>C on the coding strand, the complement: LPIN2 is on the minus strand). VCF-style: chr18-2931397-A-G. GRCh37 (hg19) VCF-style: chr18-2931395-A-G.
Other names: c.1315T>C, p.Ser439Pro (NM_001375809.1, NM_014646.2); short protein forms S439P.
Identifiers: ClinVar variation 536353 (VCV000536353.9), dbSNP rs1555673672, ClinGen allele CA401704440.